The following is an entry in ClinVar:

NM_005359.6(SMAD4):c.956-11_956-1del

Gene: SMAD4 (SMAD family member 4; plus strand). Cytogenetic location: 18q21.2.
Variant type: Deletion.
Coding change: c.956-11_956-1del on transcript NM_005359.6 (MANE Select); 11 bases into the intron before coding-DNA position 956 through the canonical splice acceptor site of the intron before coding-DNA position 956, 11 bases deleted (ATTTCCTATAG).
Molecular consequence: splice acceptor variant.
Genome position (GRCh38, 1-based): chr18:51,065,412-51,065,422, ATTTCCTATAG deleted. VCF-style (leftmost placement, unchanged base first): chr18-51065411-TATTTCCTATAG-T. GRCh37 (hg19) VCF-style: chr18-48591781-TATTTCCTATAG-T.
Identifiers: ClinVar variation 1767394 (VCV001767394.2), dbSNP rs2511382611, ClinGen allele CA2580095856.

ClinVar aggregate classification (germline): Uncertain significance (1 of 4 stars; one submission).

Conditions:
Familial thoracic aortic aneurysm and aortic dissection (TAAD). Also called: Thoracic aortic aneurysms and dissections. Identifiers: Orphanet 91387, MedGen C4707243, MONDO:0019625.
Hereditary cancer-predisposing syndrome. Also called: Hereditary Cancer Syndrome; Hereditary neoplastic syndrome; Neoplastic Syndromes, Hereditary; Tumor predisposition. Identifiers: Orphanet 140162, MedGen C0027672, MeSH D009386, MONDO:0015356.

Submission:

Ambry Genetics
Classification: Uncertain significance for Hereditary cancer-predisposing syndrome; Familial thoracic aortic aneurysm and aortic dissection. Last evaluated: 2022-02-10. Review status: criteria provided, single submitter. Criteria: Ambry Variant Classification Scheme 2023. Collection method: clinical testing. Allele origin: germline.
Comment: The c.956-11_956-1del11 intronic variant results from a deletion of 11 nucleotides between positions 956-11 and 956-1 and involves the canonical splice acceptor site before coding exon 8 of the SMAD4 gene. Alterations that disrupt the canonical splice site are expected to result in aberrant splicing. In silico splice site analysis predicts that this alteration will weaken the native splice acceptor site and may result in the creation or strengthening of a novel splice acceptor site; however, direct evidence is insufficient at this time (Ambry internal data). The resulting transcript is predicted to be in-frame and is not expected to trigger nonsense-mediated mRNA decay; however, direct evidence is unavailable. The exact functional effect of the altered amino acid sequence is unknown. These nucleotide positions are highly conserved through primates. Since supporting evidence is limited at this time, the clinical significance of this alteration remains unclear.